The following is an entry in ClinVar:

ClinVar aggregate classification (germline): Uncertain significance (1 of 4 stars; one submission).

Submission:

GeneDx
Classification: Uncertain significance. Last evaluated: 2024-10-15. Review status: criteria provided, single submitter. Criteria: GeneDx Variant Classification Process June 2021. Collection method: clinical testing. Allele origin: germline. Affected: yes.
Comment: Not observed at significant frequency in large population cohorts (gnomAD); In silico analysis supports that this missense variant has a deleterious effect on protein structure/function; Has not been previously published as pathogenic or benign to our knowledge

NM_001130438.3(SPTAN1):c.5098A>T (p.Asn1700Tyr)

Gene: SPTAN1 (spectrin alpha, non-erythrocytic 1; plus strand). Cytogenetic location: 9q34.11.
Variant type: single nucleotide variant.
Coding change: c.5098A>T on transcript NM_001130438.3 (MANE Select); coding-DNA position 5098, A replaced by T.
Protein change: p.Asn1700Tyr; replaces asparagine 1700 with tyrosine.
Molecular consequence: missense variant.
Genome position (GRCh38, 1-based): chr9:128,613,435, A>T. VCF-style: chr9-128613435-A-T. GRCh37 (hg19) VCF-style: chr9-131375714-A-T.
Other names: c.5023A>T, p.Asn1675Tyr (NM_001195532.2); c.5098A>T, p.Asn1700Tyr (NM_001363759.2, NM_001375310.1, NM_001375311.2 and 1 more transcripts); c.5038A>T, p.Asn1680Tyr (NM_001363765.2, NM_001375314.2); c.5134A>T, p.Asn1712Tyr (NM_001375312.2, NM_001375318.1); c.5083A>T, p.Asn1695Tyr (NM_003127.4); short protein forms N1675Y, N1700Y, N1695Y, N1680Y, N1712Y.
Identifiers: ClinVar variation 3781219 (VCV003781219.1).